The following is an entry in ClinVar:

ClinVar aggregate classification (germline): Uncertain significance. Review status: criteria provided, multiple submitters, no conflicts (2 of 4 stars). 2 submissions from 2 submitters: Uncertain significance (2). Last evaluated 2025-02-18.

Conditions:
Inborn genetic diseases. Identifiers: MedGen C0950123, MeSH D030342.

gnomAD v4.1: 2 of 1,601,794 alleles (0.00012%); highest among the groups gnomAD compares: Admixed American, 0.0034%; no homozygotes.

Submissions (2):

Ambry Genetics
Classification: Uncertain significance for Inborn genetic diseases. Last evaluated: 2025-02-18. Review status: criteria provided, single submitter. Criteria: Ambry Variant Classification Scheme 2023. Collection method: clinical testing. Allele origin: germline.

Labcorp Genetics (formerly Invitae), Labcorp
Classification: Uncertain significance. Last evaluated: 2024-12-22. Review status: criteria provided, single submitter. Criteria: Invitae Variant Classification Sherloc (09022015). Collection method: clinical testing. Allele origin: germline.
Comment: This sequence change replaces lysine, which is basic and polar, with glutamic acid, which is acidic and polar, at codon 1100 of the CACNA1E protein (p.Lys1100Glu). This variant is present in population databases (no rsID available, gnomAD 0.006%). This variant has not been reported in the literature in individuals affected with CACNA1E-related conditions. Invitae Evidence Modeling of protein sequence and biophysical properties (such as structural, functional, and spatial information, amino acid conservation, physicochemical variation, residue mobility, and thermodynamic stability) has been performed for this missense variant. However, the output from this modeling did not meet the statistical confidence thresholds required to predict the impact of this variant on CACNA1E protein function. In summary, the available evidence is currently insufficient to determine the role of this variant in disease. Therefore, it has been classified as a Variant of Uncertain Significance.

NM_001205293.3(CACNA1E):c.3298A>G (p.Lys1100Glu)

Gene: CACNA1E (calcium voltage-gated channel subunit alpha1 E; plus strand). Cytogenetic location: 1q25.3.
Variant type: single nucleotide variant.
Coding change: c.3298A>G on transcript NM_001205293.3 (MANE Select); coding-DNA position 3298, A replaced by G.
Protein change: p.Lys1100Glu; replaces lysine 1100 with glutamic acid.
Molecular consequence: missense variant.
Genome position (GRCh38, 1-based): chr1:181,736,310, A>G. VCF-style: chr1-181736310-A-G. GRCh37 (hg19) VCF-style: chr1-181705446-A-G.
Other names: c.3241A>G, p.Lys1081Glu (NM_001205294.2); c.3298A>G, p.Lys1100Glu (NM_000721.4); c.3298A>G (NM_001205293.1); short protein forms K1081E, K1100E.
Identifiers: ClinVar variation 3621492 (VCV003621492.3).